The following is an entry in ClinVar:

ClinVar aggregate classification (germline): Uncertain significance (1 of 4 stars; one submission).

Conditions:
Inborn genetic diseases. Identifiers: MedGen C0950123, MeSH D030342.

gnomAD v4.1: 3 of 1,612,862 alleles (0.00019%); highest among the groups gnomAD compares: African/African-American, 0.004%; no homozygotes.

Submission:

Ambry Genetics
Classification: Uncertain significance for Inborn genetic diseases. Last evaluated: 2025-09-25. Review status: criteria provided, single submitter. Criteria: Ambry Variant Classification Scheme 2023. Collection method: clinical testing. Allele origin: germline.
Comment: The c.3254A>C (p.N1085T) alteration is located in exon 21 (coding exon 20) of the ASCC3 gene. This alteration results from a A to C substitution at nucleotide position 3254, causing the asparagine (N) at amino acid position 1085 to be replaced by a threonine (T). Based on data from gnomAD, the C allele has an overall frequency of <0.001% (1/250992) total alleles studied. The highest observed frequency was 0.006% (1/16208) of African alleles. Based on insufficient or conflicting evidence, the clinical significance of this alteration remains unclear.

NM_006828.4(ASCC3):c.3254A>C (p.Asn1085Thr)

Gene: ASCC3 (activating signal cointegrator 1 complex subunit 3; minus strand). Cytogenetic location: 6q16.3.
Variant type: single nucleotide variant.
Coding change: c.3254A>C on transcript NM_006828.4 (MANE Select); coding-DNA position 3254, A replaced by C.
Protein change: p.Asn1085Thr; replaces asparagine 1085 with threonine.
Molecular consequence: missense variant.
Genome position (GRCh38, 1-based): chr6:100,647,450, T>G on the plus strand (A>C on the coding strand, the complement: ASCC3 is on the minus strand). VCF-style: chr6-100647450-T-G. GRCh37 (hg19) VCF-style: chr6-101095326-T-G.
Other names: short protein forms N1085T.
Identifiers: ClinVar variation 4585932 (VCV004585932.1).